The following is an entry in ClinVar:

NM_001393504.1(MAST3):c.1586C>T (p.Ser529Leu)

Gene: MAST3 (microtubule associated serine/threonine kinase 3; plus strand). Cytogenetic location: 19p13.11.
Variant type: single nucleotide variant.
Coding change: c.1586C>T on transcript NM_001393504.1 (MANE Select); coding-DNA position 1586, C replaced by T.
Protein change: p.Ser529Leu; replaces serine 529 with leucine.
Molecular consequence: missense variant.
Genome position (GRCh38, 1-based): chr19:18,134,593, C>T. VCF-style: chr19-18134593-C-T. GRCh37 (hg19) VCF-style: chr19-18245403-C-T.
Other names: c.1610C>T, p.Ser537Leu (NM_001393501.1); c.1589C>T, p.Ser530Leu (NM_001393502.1); c.1586C>T, p.Ser529Leu (NM_001393503.1); c.1583C>T, p.Ser528Leu (NM_001393505.1); c.1538C>T, p.Ser513Leu (NM_001393506.1, NM_001393513.1); c.1565C>T, p.Ser522Leu (NM_001393507.1); c.1520C>T, p.Ser507Leu (NM_001393508.1, NM_001393516.1); c.1517C>T, p.Ser506Leu (NM_001393509.1, NM_001393510.1, NM_001393512.1 and 2 more transcripts); and 4 more; short protein forms S491L, S499L, S500L, S505L, S506L, S507L, S513L, S522L.
Identifiers: ClinVar variation 5041155 (VCV005041155.1).
Genomic context (GRCh38, chr19:18,134,593, plus strand): 5'-GCACCCCAGCCCCCCAGCTCTGAGCACACTCCTAACCTGCCCACAGTCTGCTCATCACCT[C>T]GCTTGGCCACATCAAGCTCACGGACTTCGGCCTGTCCAAGATCGGCCTCATGAGCATGGC-3'
Protein context (NP_001380433.1, residues 519-539): DLKPDNLLIT[Ser529Leu]LGHIKLTDFG

ClinVar aggregate classification (germline): Likely benign (1 of 4 stars; one submission).

gnomAD v4.1: 90 of 1,612,234 alleles (0.0056%); highest among the groups gnomAD compares: East Asian, 0.14%; 2 homozygotes.

Submission:

CeGaT Center for Human Genetics Tuebingen
Classification: Likely benign. Last evaluated: 2026-09-01. Review status: criteria provided, single submitter. Criteria: CeGaT Center For Human Genetics Tuebingen Variant Classification Criteria Version 2. Collection method: clinical testing. Allele origin: germline. Affected: yes. Observed: 1 variant allele.
Comment: MAST3: PP2, BS1